The following is an entry in ClinVar:

ClinVar aggregate classification (germline): Uncertain significance. Review status: criteria provided, multiple submitters, no conflicts (2 of 4 stars). 2 submissions from 2 submitters: Uncertain significance (2). Last evaluated 2025-12-30.

Conditions:
Kleefstra syndrome 1 (KLEFS1). Identifiers: Orphanet 261494, MedGen C0795833, MONDO:0027407, OMIM 610253.

Allele frequency attached by ClinVar (database versions not stated): gnomAD 0.00001; gnomAD exomes 0.00001; TOPMed below 0.00001.
gnomAD v4.1: 4 of 1,613,992 alleles (0.00025%); highest among the groups gnomAD compares: Non-Finnish European, 0.00034%; no homozygotes.

Submissions (2):

Labcorp Genetics (formerly Invitae), Labcorp
Classification: Uncertain significance for Kleefstra syndrome 1. Last evaluated: 2025-12-30. Review status: criteria provided, single submitter. Criteria: Invitae Variant Classification Sherloc (09022015). Collection method: clinical testing. Allele origin: germline.
Comment: This sequence change falls in intron 5 of the EHMT1 gene. It does not directly change the encoded amino acid sequence of the EHMT1 protein. It affects a nucleotide within the consensus splice site. This variant is present in population databases (no rsID available, gnomAD 0.007%). This variant has not been reported in the literature in individuals affected with EHMT1-related conditions. ClinVar contains an entry for this variant (Variation ID: 1502590). Variants that disrupt the consensus splice site are a relatively common cause of aberrant splicing (PMID: 17576681, 9536098). Algorithms developed to predict the effect of sequence changes on RNA splicing suggest that this variant is not likely to affect RNA splicing. In summary, the available evidence is currently insufficient to determine the role of this variant in disease. Therefore, it has been classified as a Variant of Uncertain Significance.

GeneDx
Classification: Uncertain significance. Last evaluated: 2022-10-04. Review status: criteria provided, single submitter. Criteria: GeneDx Variant Classification Process June 2021. Collection method: clinical testing. Allele origin: germline. Affected: yes.
Comment: Not observed at significant frequency in large population cohorts (gnomAD); In silico analysis supports that this variant does not alter splicing; Has not been previously published as pathogenic or benign to our knowledge; This variant is associated with the following publications: (PMID: 17576681, 9536098)

Literature cited by the submitters: PubMed 17576681 (cited by Labcorp Genetics (formerly Invitae), Labcorp); PubMed 9536098 (cited by Labcorp Genetics (formerly Invitae), Labcorp).

NM_024757.5(EHMT1):c.981+5G>A

Gene: EHMT1 (euchromatic histone lysine methyltransferase 1; plus strand). Cytogenetic location: 9q34.3.
Variant type: single nucleotide variant.
Coding change: c.981+5G>A on transcript NM_024757.5 (MANE Select); 5 bases into the intron after coding-DNA position 981, G replaced by A.
Molecular consequence: intron variant.
Genome position (GRCh38, 1-based): chr9:137,743,533, G>A. VCF-style: chr9-137743533-G-A. GRCh37 (hg19) VCF-style: chr9-140637985-G-A.
Other names: c.960+5G>A (NM_001354263.2); c.888+5G>A (NM_001354259.2, NM_001354612.2); c.981+5G>A (NM_001145527.2, NM_001354611.2).
Identifiers: ClinVar variation 1502590 (VCV001502590.6), dbSNP rs867504844, ClinGen allele CA201820291.